The following is an entry in ClinVar:

ClinVar aggregate classification (germline): Conflicting classifications of pathogenicity. Review status: criteria provided, conflicting classifications (1 of 4 stars). 2 submissions from 2 submitters: Uncertain significance (1); Likely benign (1). Last evaluated 2023-09-14.

Conditions:
FANCA-related disorder. Also called: FANCA-related condition.
Fanconi anemia (FA). Also called: Fanconi's anemia. Identifiers: Orphanet 84, MedGen C0015625, MeSH D005199, MONDO:0019391.

Submissions (2):

PreventionGenetics, part of Exact Sciences
Classification: Uncertain significance for FANCA-related condition. Last evaluated: 2023-09-14. Review status: criteria provided, single submitter. Criteria: ACMG Guidelines, 2015. Collection method: clinical testing. Allele origin: germline.
Comment: The FANCA c.3662A>T variant is predicted to result in the amino acid substitution p.Asn1221Ile. To our knowledge, this variant has not been reported in the literature or in a large population database, indicating this variant is rare. At this time, the clinical significance of this variant is uncertain due to the absence of conclusive functional and genetic evidence.

Labcorp Genetics (formerly Invitae), Labcorp
Classification: Likely benign for Fanconi anemia. Last evaluated: 2023-02-23. Review status: criteria provided, single submitter. Criteria: Invitae Variant Classification Sherloc (09022015). Collection method: clinical testing. Allele origin: germline.

NM_000135.4(FANCA):c.3662A>T (p.Asn1221Ile)

Gene: FANCA (FA complementation group A; minus strand). Cytogenetic location: 16q24.3.
Variant type: single nucleotide variant.
Coding change: c.3662A>T on transcript NM_000135.4 (MANE Select); coding-DNA position 3662, A replaced by T.
Protein change: p.Asn1221Ile; replaces asparagine 1221 with isoleucine.
Molecular consequence: missense variant.
Genome position (GRCh38, 1-based): chr16:89,742,903, T>A on the plus strand (A>T on the coding strand, the complement: FANCA is on the minus strand). VCF-style: chr16-89742903-T-A. GRCh37 (hg19) VCF-style: chr16-89809311-T-A.
Other names: c.3662A>T, p.Asn1221Ile (NM_001286167.3); short protein forms N1221I.
Identifiers: ClinVar variation 2630758 (VCV002630758.4), dbSNP rs2062171554, ClinGen allele CA397485487.